The following is an entry in ClinVar:

ClinVar aggregate classification (germline): Uncertain significance (1 of 4 stars; one submission).

Allele frequency attached by ClinVar (database versions not stated): TOPMed below 0.00001.

Submission:

Labcorp Genetics (formerly Invitae), Labcorp
Classification: Uncertain significance. Last evaluated: 2022-08-23. Review status: criteria provided, single submitter. Criteria: Invitae Variant Classification Sherloc (09022015). Collection method: clinical testing. Allele origin: germline.
Comment: This sequence change replaces serine, which is neutral and polar, with threonine, which is neutral and polar, at codon 183 of the TYRP1 protein (p.Ser183Thr). This variant is not present in population databases (gnomAD no frequency). This variant has not been reported in the literature in individuals affected with TYRP1-related conditions. ClinVar contains an entry for this variant (Variation ID: 1375784). Algorithms developed to predict the effect of missense changes on protein structure and function (SIFT, PolyPhen-2, Align-GVGD) all suggest that this variant is likely to be tolerated. In summary, the available evidence is currently insufficient to determine the role of this variant in disease. Therefore, it has been classified as a Variant of Uncertain Significance.

NM_000550.3(TYRP1):c.547T>A (p.Ser183Thr)

Gene: TYRP1 (tyrosinase related protein 1; plus strand). Cytogenetic location: 9p23.
Variant type: single nucleotide variant.
Coding change: c.547T>A on transcript NM_000550.3 (MANE Select); coding-DNA position 547, T replaced by A.
Protein change: p.Ser183Thr; replaces serine 183 with threonine.
Molecular consequence: missense variant.
Genome position (GRCh38, 1-based): chr9:12,695,676, T>A. VCF-style: chr9-12695676-T-A. GRCh37 (hg19) VCF-style: chr9-12695676-T-A.
Other names: short protein forms S183T.
Identifiers: ClinVar variation 1375784 (VCV001375784.3), dbSNP rs1818067721, ClinGen allele CA372937486.